The following is an entry in ClinVar:

NM_007027.4(TOPBP1):c.688A>G (p.Met230Val)

Gene: TOPBP1 (DNA topoisomerase II binding protein 1; minus strand). Cytogenetic location: 3q22.1.
Variant type: single nucleotide variant.
Coding change: c.688A>G on transcript NM_007027.4 (MANE Select); coding-DNA position 688, A replaced by G.
Protein change: p.Met230Val; replaces methionine 230 with valine.
Molecular consequence: missense variant.
Genome position (GRCh38, 1-based): chr3:133,655,344, T>C on the plus strand (A>G on the coding strand, the complement: TOPBP1 is on the minus strand). VCF-style: chr3-133655344-T-C. GRCh37 (hg19) VCF-style: chr3-133374188-T-C.
Other names: c.688A>G, p.Met230Val (NM_001363889.2); short protein forms M230V.
Identifiers: ClinVar variation 2588423 (VCV002588423.4), dbSNP rs200481599, ClinGen allele CA2624649.

ClinVar aggregate classification (germline): Uncertain significance. Review status: criteria provided, multiple submitters, no conflicts (2 of 4 stars). 2 submissions from 2 submitters: Uncertain significance (2). Last evaluated 2025-10-07.

Conditions:
TOPBP1-related disorder. Also called: TOPBP1-related condition.

Allele frequency attached by ClinVar (database versions not stated): gnomAD 0.00015; ExAC 0.00015; ESP Exome Variant Server 0.00025; TOPMed 0.00009; gnomAD exomes 0.00013.
gnomAD v4.1: 201 of 1,596,506 alleles (0.013%); highest among the groups gnomAD compares: Non-Finnish European, 0.016%; no homozygotes.

Submissions (2):

Ambry Genetics
Classification: Uncertain significance. Last evaluated: 2025-10-07. Review status: criteria provided, single submitter. Criteria: Ambry Variant Classification Scheme 2023. Collection method: clinical testing. Allele origin: germline.

PreventionGenetics, part of Exact Sciences
Classification: Uncertain significance for TOPBP1-related condition. Last evaluated: 2022-09-21. Review status: criteria provided, single submitter. Criteria: ACMG Guidelines, 2015. Collection method: clinical testing. Allele origin: germline.
Comment: The TOPBP1 c.688A>G variant is predicted to result in the amino acid substitution p.Met230Val. To our knowledge, this variant has not been reported in the literature. This variant is reported in 0.022% of alleles in individuals of European (Non-Finnish) descent in gnomAD. Although we suspect that this variant may be benign, at this time, the clinical significance of this variant is uncertain due to the absence of conclusive functional and genetic evidence.